The following is an entry in ClinVar:

NM_000282.4(PCCA):c.1258T>C (p.Tyr420His)

Gene: PCCA (propionyl-CoA carboxylase subunit alpha; plus strand). Cytogenetic location: 13q32.3.
Variant type: single nucleotide variant.
Coding change: c.1258T>C on transcript NM_000282.4 (MANE Select); coding-DNA position 1258, T replaced by C.
Protein change: p.Tyr420His; replaces tyrosine 420 with histidine.
Molecular consequence: missense variant. On other transcripts: non-coding transcript variant (5).
Genome position (GRCh38, 1-based): chr13:100,302,972, T>C. VCF-style: chr13-100302972-T-C. GRCh37 (hg19) VCF-style: chr13-100955226-T-C.
Other names: c.313T>C, p.Tyr105His (NM_001352611.2, NM_001352610.2); c.1180T>C, p.Tyr394His (NM_001127692.3, NM_001352607.2); c.1258T>C, p.Tyr420His (NM_001178004.2, NM_001352605.2, NM_001352609.2); c.1114T>C, p.Tyr372His (NM_001352606.2); c.1036T>C, p.Tyr346His (NM_001352608.2); c.169T>C, p.Tyr57His (NM_001352612.2); short protein forms Y105H, Y346H, Y372H, Y420H, Y394H, Y57H.
Identifiers: ClinVar variation 2004241 (VCV002004241.4), dbSNP rs2548123063, ClinGen allele CA388695513.

ClinVar aggregate classification (germline): Uncertain significance (1 of 4 stars; one submission).

Conditions:
Propionic acidemia (PROP). Also called: GLYCINEMIA, KETOTIC; HYPERGLYCINEMIA WITH KETOACIDOSIS AND LEUKOPENIA; KETOTIC HYPERGLYCINEMIA. Identifiers: Orphanet 35, MedGen C0268579, MONDO:0011628, OMIM 606054, HP:0003571.

gnomAD v4.1: 1 of 1,604,560 alleles (0.000062%); highest among the groups gnomAD compares: Non-Finnish European, 0.000085%; no homozygotes.

Submission:

Labcorp Genetics (formerly Invitae), Labcorp
Classification: Uncertain significance for Propionic acidemia. Last evaluated: 2022-06-10. Review status: criteria provided, single submitter. Criteria: Invitae Variant Classification Sherloc (09022015). Collection method: clinical testing. Allele origin: germline.
Comment: In summary, the available evidence is currently insufficient to determine the role of this variant in disease. Therefore, it has been classified as a Variant of Uncertain Significance. Advanced modeling of protein sequence and biophysical properties (such as structural, functional, and spatial information, amino acid conservation, physicochemical variation, residue mobility, and thermodynamic stability) performed at Invitae indicates that this missense variant is expected to disrupt PCCA protein function. This variant has not been reported in the literature in individuals affected with PCCA-related conditions. This variant is not present in population databases (gnomAD no frequency). This sequence change replaces tyrosine, which is neutral and polar, with histidine, which is basic and polar, at codon 420 of the PCCA protein (p.Tyr420His).